The following is an entry in ClinVar:

NM_001042545.2(LTBP4):c.3472G>A (p.Gly1158Ser)

Gene: LTBP4 (latent transforming growth factor beta binding protein 4; plus strand). Cytogenetic location: 19q13.2.
Variant type: single nucleotide variant.
Coding change: c.3472G>A on transcript NM_001042545.2 (MANE Select); coding-DNA position 3472, G replaced by A.
Protein change: p.Gly1158Ser; replaces glycine 1158 with serine.
Molecular consequence: missense variant.
Genome position (GRCh38, 1-based): chr19:40,622,655, G>A. VCF-style: chr19-40622655-G-A. GRCh37 (hg19) VCF-style: chr19-41128560-G-A.
Other names: c.3673G>A, p.Gly1225Ser (NM_001042544.1); c.3562G>A, p.Gly1188Ser (NM_003573.2); short protein forms G1158S, G1225S, G1188S.
Identifiers: ClinVar variation 2021233 (VCV002021233.3), dbSNP rs2515383011, ClinGen allele CA405907107.

ClinVar aggregate classification (germline): Uncertain significance (1 of 4 stars; one submission).

Allele frequency attached by ClinVar (database versions not stated): gnomAD exomes 0.00001.
gnomAD v4.1: 11 of 1,603,026 alleles (0.00069%); highest among the groups gnomAD compares: Non-Finnish European, 0.00077%; no homozygotes.

Submission:

Labcorp Genetics (formerly Invitae), Labcorp
Classification: Uncertain significance. Last evaluated: 2022-08-08. Review status: criteria provided, single submitter. Criteria: Invitae Variant Classification Sherloc (09022015). Collection method: clinical testing. Allele origin: germline.
Comment: This sequence change replaces glycine, which is neutral and non-polar, with serine, which is neutral and polar, at codon 1188 of the LTBP4 protein (p.Gly1188Ser). This variant is not present in population databases (gnomAD no frequency). This variant has not been reported in the literature in individuals affected with LTBP4-related conditions. Experimental studies and prediction algorithms are not available or were not evaluated, and the functional significance of this variant is currently unknown. In summary, the available evidence is currently insufficient to determine the role of this variant in disease. Therefore, it has been classified as a Variant of Uncertain Significance.